The following is an entry in ClinVar:

ClinVar aggregate classification (germline): Benign/Likely benign. Review status: criteria provided, multiple submitters, no conflicts (2 of 4 stars). 2 submissions from 2 submitters: Benign (1); Likely benign (1). Last evaluated 2025-05-12.

Conditions:
Peutz-Jeghers syndrome (PJS). Also called: POLYPOSIS, HAMARTOMATOUS INTESTINAL; POLYPS-AND-SPOTS SYNDROME; Peutz-Jeghers polyposis; Periorificial lentiginosis syndrome. Identifiers: Orphanet 2869, MedGen C0031269, MeSH D010580, MONDO:0008280, OMIM 175200.

Allele frequency attached by ClinVar (database versions not stated): gnomAD exomes below 0.00001.
gnomAD v4.1: 1 of 1,604,442 alleles (0.000062%); highest among the groups gnomAD compares: Non-Finnish European, 0.000085%; no homozygotes.

Submissions (2):

Labcorp Genetics (formerly Invitae), Labcorp
Classification: Likely benign for Peutz-Jeghers syndrome. Last evaluated: 2025-05-12. Review status: criteria provided, single submitter. Criteria: Invitae Variant Classification Sherloc (09022015). Collection method: clinical testing. Allele origin: germline.

Myriad Genetics, Inc.
Classification: Benign for Peutz-Jeghers syndrome. Last evaluated: 2025-03-24. Review status: criteria provided, single submitter. Criteria: Myriad Autosomal Dominant, Autosomal Recessive and X-Linked Classification Criteria (2023). Collection method: clinical testing. Allele origin: unknown.
Comment: This variant is considered benign. This variant is a silent/synonymous amino acid change and it is not expected to impact splicing.

NM_000455.5(STK11):c.36C>T (p.Phe12=)

Gene: STK11 (serine/threonine kinase 11; plus strand). Cytogenetic location: 19p13.3.
Variant type: single nucleotide variant.
Coding change: c.36C>T on transcript NM_000455.5 (MANE Select); coding-DNA position 36, C replaced by T.
Protein change: p.Phe12=; no amino-acid change (phenylalanine 12 retained).
Molecular consequence: synonymous variant. On other transcripts: non-coding transcript variant (1).
Genome position (GRCh38, 1-based): chr19:1,206,949, C>T. VCF-style: chr19-1206949-C-T. GRCh37 (hg19) VCF-style: chr19-1206948-C-T.
Other names: c.36C>T, p.Phe12= (NM_001407255.1).
Identifiers: ClinVar variation 2723627 (VCV002723627.4), dbSNP rs2145404533, ClinGen allele CA504706078.
Genomic context (GRCh38, chr19:1,206,949, plus strand): 5'-GGGACTCCAGGACCCTGGGTCCAGCATGGAGGTGGTGGACCCGCAGCAGCTGGGCATGTT[C>T]ACGGAGGGCGAGCTGATGTCGGTGGGTATGGACACGTTCATCCACCGCATCGACTCCACC-3'
Protein context (NP_000446.1, residues 2-22): EVVDPQQLGM[Phe12=]TEGELMSVGM